The following is an entry in ClinVar:

ClinVar aggregate classification (germline): Likely benign (1 of 4 stars; one submission).

Conditions:
ABCC12-related condition.

gnomAD v4.1: 325 of 1,614,128 alleles (0.02%); highest among the groups gnomAD compares: Non-Finnish European, 0.025%; 1 homozygote.

Submission:

PreventionGenetics, part of Exact Sciences
Classification: Likely benign for ABCC12-related condition. Last evaluated: 2026-01-06. Review status: criteria provided, single submitter. Criteria: ACMG Guidelines, 2015. Collection method: clinical testing. Allele origin: germline.
Comment: This variant is classified as likely benign based on ACMG/AMP sequence variant interpretation guidelines (Richards et al. 2015 PMID: 25741868, with internal and published modifications).

NM_001393797.1(ABCC12):c.2661G>A (p.Thr887=)

Gene: ABCC12 (ATP binding cassette subfamily C member 12; minus strand). Cytogenetic location: 16q12.1.
Variant type: single nucleotide variant.
Coding change: c.2661G>A on transcript NM_001393797.1 (MANE Select); coding-DNA position 2661, G replaced by A.
Protein change: p.Thr887=; no amino-acid change (threonine 887 retained).
Molecular consequence: synonymous variant. On other transcripts: non-coding transcript variant (6).
Genome position (GRCh38, 1-based): chr16:48,105,151, C>T on the plus strand (G>A on the coding strand, the complement: ABCC12 is on the minus strand). VCF-style: chr16-48105151-C-T. GRCh37 (hg19) VCF-style: chr16-48139062-C-T.
Other names: c.2661G>A, p.Thr887= (NM_033226.3).
Identifiers: ClinVar variation 4979261 (VCV004979261.1).
Genomic context (GRCh38, chr16:48,105,151, plus strand): 5'-CCTTGTTGACTGAATAACTGGGTACACCTGCAATGCTTGTGGCCCTACCTTATCAAACAC[C>T]GTGTCATGCAGAGAGGAGGATGCCATCAGTGTGGTCTTGGTGAAGACGAAGCCTTTGGTG-3'
Protein context (NP_001380726.1, residues 877-897): TLMASSSLHD[Thr887=]VFDKILKSPM